The following is an entry in ClinVar:

ClinVar aggregate classification (germline): Uncertain significance (1 of 4 stars; one submission).

Conditions:
Inborn genetic diseases. Identifiers: MedGen C0950123, MeSH D030342.

Submission:

Ambry Genetics
Classification: Uncertain significance for Inborn genetic diseases. Last evaluated: 2024-08-28. Review status: criteria provided, single submitter. Criteria: Ambry Variant Classification Scheme 2023. Collection method: clinical testing. Allele origin: germline.
Comment: The p.N419D variant (also known as c.1255A>G), located in coding exon 5 of the ATR gene, results from an A to G substitution at nucleotide position 1255. The asparagine at codon 419 is replaced by aspartic acid, an amino acid with highly similar properties. This amino acid position is conserved. In addition, this alteration is predicted to be tolerated by in silico analysis. Based on the available evidence, the clinical significance of this variant remains unclear.

NM_001184.4(ATR):c.1255A>G (p.Asn419Asp)

Gene: ATR (ATR serine/threonine kinase; minus strand). Cytogenetic location: 3q23.
Variant type: single nucleotide variant.
Coding change: c.1255A>G on transcript NM_001184.4 (MANE Select); coding-DNA position 1255, A replaced by G.
Protein change: p.Asn419Asp; replaces asparagine 419 with aspartic acid.
Molecular consequence: missense variant.
Genome position (GRCh38, 1-based): chr3:142,561,337, T>C on the plus strand (A>G on the coding strand, the complement: ATR is on the minus strand). VCF-style: chr3-142561337-T-C. GRCh37 (hg19) VCF-style: chr3-142280179-T-C.
Other names: c.1255A>G, p.Asn419Asp (NM_001354579.2); short protein forms N419D.
Identifiers: ClinVar variation 3462559 (VCV003462559.1).
Genomic context (GRCh38, chr3:142,561,337, plus strand): 5'-TTAGAGACGAGCTGAGACGACGCCTTTTGGGTGATATTCCATCACTATTACTGCTGAGGT[T>C]TTCCTGTTGAGTTTGGCATTGAATCTCCTCAATGATTTCCATACTTTCCATTTTCAAAGC-3'
Protein context (NP_001175.2, residues 409-429): EEIQCQTQQE[Asn419Asp]LSSNSDGISP